The following is an entry in ClinVar:

NM_001134407.3(GRIN2A):c.136G>A (p.Val46Met)

Gene: GRIN2A (glutamate ionotropic receptor NMDA type subunit 2A; minus strand). Cytogenetic location: 16p13.2.
Variant type: single nucleotide variant.
Coding change: c.136G>A on transcript NM_001134407.3 (MANE Select); coding-DNA position 136, G replaced by A.
Protein change: p.Val46Met; replaces valine 46 with methionine.
Molecular consequence: missense variant.
Genome position (GRCh38, 1-based): chr16:10,180,276, C>T on the plus strand (G>A on the coding strand, the complement: GRIN2A is on the minus strand). VCF-style: chr16-10180276-C-T. GRCh37 (hg19) VCF-style: chr16-10274133-C-T.
Other names: p.V46M:GTG>ATG; c.136G>A, p.Val46Met (NM_000833.5, NM_001134408.2); short protein forms V46M.
Identifiers: ClinVar variation 205648 (VCV000205648.12), dbSNP rs796052542, ClinGen allele CA314931.
Genomic context (GRCh38, chr16:10,180,276, plus strand): 5'-CCAGGGGCAGCCCCGCCGCCTGCTCGGGGCCCCACAGTGTTCGAAGTTCGCGCTCTGTCA[C>T]GTCGTGGCTGTGACCCAGCATCACCGCAATATTTAGCGCGGGGGGACCCTTCTCCGCCGC-3'
Protein context (NP_001127879.1, residues 36-56): IAVMLGHSHD[Val46Met]TERELRTLWG

ClinVar aggregate classification (germline): Conflicting classifications of pathogenicity. Review status: criteria provided, conflicting classifications (1 of 4 stars). 2 submissions from 2 submitters: Uncertain significance (1); Likely benign (1). Last evaluated 2025-05-08.

Conditions:
Landau-Kleffner syndrome (FESD). Also called: EPILEPSY, FOCAL, WITH SPEECH DISORDER AND WITH OR WITHOUT MENTAL RETARDATION; APHASIA, ACQUIRED, WITH EPILEPSY. Identifiers: Orphanet 1945, Orphanet 725, Orphanet 98818, MedGen C0282512, MONDO:0009509, OMIM 245570.

Allele frequency attached by ClinVar (database versions not stated): gnomAD exomes 0.00001; TOPMed 0.00001; gnomAD 0.00004.
gnomAD v4.1: 19 of 1,613,382 alleles (0.0012%); highest among the groups gnomAD compares: Admixed American, 0.028%; 1 homozygote.

Submissions (2):

Labcorp Genetics (formerly Invitae), Labcorp
Classification: Likely benign for Landau-Kleffner syndrome. Last evaluated: 2025-05-08. Review status: criteria provided, single submitter. Criteria: Invitae Variant Classification Sherloc (09022015). Collection method: clinical testing. Allele origin: germline.

GeneDx
Classification: Uncertain significance. Last evaluated: 2021-01-12. Review status: criteria provided, single submitter. Criteria: GeneDx Variant Classification Process June 2021. Collection method: clinical testing. Allele origin: germline. Affected: yes.
Comment: In silico analysis supports that this missense variant does not alter protein structure/function; Has not been previously published as pathogenic or benign to our knowledge